The following is an entry in ClinVar:

ClinVar aggregate classification (germline): Uncertain significance (1 of 4 stars; one submission).

Conditions:
Leber congenital amaurosis 8 (LCA8). Identifiers: Orphanet 65, MedGen C3151202, MONDO:0013453, OMIM 613835.
Retinitis pigmentosa 12 (RP12). Also called: RP WITH OR WITHOUT PRESERVED PARAARTERIOLE RETINAL PIGMENT EPITHELIUM; RETINITIS PIGMENTOSA WITH OR WITHOUT PARAARTERIOLAR PRESERVATION OF RETINAL PIGMENT EPITHELIUM; RP WITH OR WITHOUT PPRPE. Identifiers: Orphanet 791, MedGen C1838647, MONDO:0010818, OMIM 600105.

Submission:

Labcorp Genetics (formerly Invitae), Labcorp
Classification: Uncertain significance for Leber congenital amaurosis 8; Retinitis pigmentosa 12. Last evaluated: 2025-03-10. Review status: criteria provided, single submitter. Criteria: Invitae Variant Classification Sherloc (09022015). Collection method: clinical testing. Allele origin: germline.
Comment: This sequence change replaces isoleucine, which is neutral and non-polar, with methionine, which is neutral and non-polar, at codon 852 of the CRB1 protein (p.Ile852Met). This variant is not present in population databases (gnomAD no frequency). This variant has not been reported in the literature in individuals affected with CRB1-related conditions. Invitae Evidence Modeling of protein sequence and biophysical properties (such as structural, functional, and spatial information, amino acid conservation, physicochemical variation, residue mobility, and thermodynamic stability) has been performed for this missense variant. However, the output from this modeling did not meet the statistical confidence thresholds required to predict the impact of this variant on CRB1 protein function. This variant disrupts the p.Ile852 amino acid residue in CRB1. Other variant(s) that disrupt this residue have been determined to be pathogenic (PMID: 15024725, 17724218, 21757580, 26872607). This suggests that this residue is clinically significant, and that variants that disrupt this residue are likely to be disease-causing. In summary, the available evidence is currently insufficient to determine the role of this variant in disease. Therefore, it has been classified as a Variant of Uncertain Significance.

Literature cited by the submitters: PubMed 15024725; PubMed 17724218; PubMed 21757580; PubMed 26872607.

NM_201253.3(CRB1):c.2556C>G (p.Ile852Met)

Gene: CRB1 (crumbs cell polarity complex component 1; plus strand). Cytogenetic location: 1q31.3.
Variant type: single nucleotide variant.
Coding change: c.2556C>G on transcript NM_201253.3 (MANE Select); coding-DNA position 2556, C replaced by G.
Protein change: p.Ile852Met; replaces isoleucine 852 with methionine.
Molecular consequence: missense variant. On other transcripts: non-coding transcript variant (2), intron variant (1).
Genome position (GRCh38, 1-based): chr1:197,427,881, C>G. VCF-style: chr1-197427881-C-G. GRCh37 (hg19) VCF-style: chr1-197397011-C-G.
Other names: c.2220C>G, p.Ile740Met (NM_001193640.2); c.2349C>G, p.Ile783Met (NM_001257965.2); c.2128+5925C>G (NM_001257966.2); short protein forms I740M, I852M, I783M.
Identifiers: ClinVar variation 4782428 (VCV004782428.1).
Genomic context (GRCh38, chr1:197,427,881, plus strand): 5'-TGGTGGCCTACCTGACAAGCAAGAGACTGAACTTAATGGTGGATTCTTCAAAGGCTGTAT[C>G]CAAGATGTAAGACTAAACAACCAAAATCTGGAATTCTTTCCAAATCCAACAAACAATGCA-3'
Protein context (NP_957705.1, residues 842-862): ELNGGFFKGC[Ile852Met]QDVRLNNQNL